The following is an entry in ClinVar:

ClinVar aggregate classification (germline): Pathogenic (1 of 4 stars; one submission).

Conditions:
Neuronal ceroid lipofuscinosis. Also called: Neuronal Ceroid Lipofuscinoses. Identifiers: Orphanet 216, Orphanet 79263, MedGen C0027877, MONDO:0016295. Disease mechanism: loss of function.

Submission:

Labcorp Genetics (formerly Invitae), Labcorp
Classification: Pathogenic for Neuronal ceroid lipofuscinosis. Last evaluated: 2023-11-21. Review status: criteria provided, single submitter. Criteria: Invitae Variant Classification Sherloc (09022015). Collection method: clinical testing. Allele origin: unknown.
Comment: This variant is a gross deletion of the genomic region encompassing exon(s) 3 of the CLN8 gene, which includes the termination codon. This deletion extends beyond the assayed region for this gene and therefore may encompass additional genes. While this deletion is not anticipated to lead to nonsense mediated decay, it is expected to alter mRNA translation or result in a truncated protein product. This variant has not been reported in the literature in individuals affected with CLN8-related conditions. This variant disrupts a region of the CLN8 protein in which other variant(s) (p.Trp263*) have been determined to be pathogenic (PMID: 15024724; Invitae). This suggests that this is a clinically significant region of the protein, and that variants that disrupt it are likely to be disease-causing. For these reasons, this variant has been classified as Pathogenic.

Literature cited by the submitters: PubMed 15024724.

NC_000008.10:g.(?_1728396)_(1728733_?)del

Gene: CLN8 (CLN8 transmembrane ER and ERGIC protein; plus strand). Cytogenetic location: 8p23.3.
Variant type: Deletion.
Identifiers: ClinVar variation 3245412 (VCV003245412.1).